The following is an entry in ClinVar:

ClinVar aggregate classification (germline): Likely benign. Review status: criteria provided, single submitter (1 of 4 stars). 3 submissions from 3 submitters: Likely benign (1). 2 of the submissions do not count toward it. Last evaluated 2025-06-01.

Conditions:
Glaucoma 1, open angle, O (GLC1O). Identifiers: MedGen C2751294, MONDO:0013134, OMIM 613100.

Allele frequency attached by ClinVar (database versions not stated): gnomAD exomes 0.00169 and 0.00120; gnomAD 0.00170 and 0.00183; TOPMed 0.00069; ExAC 0.00153.

Submissions (3):

CeGaT Center for Human Genetics Tuebingen
Classification: Likely benign. Last evaluated: 2025-06-01. Review status: criteria provided, single submitter. Criteria: CeGaT Center For Human Genetics Tuebingen Variant Classification Criteria Version 2. Collection method: clinical testing. Allele origin: germline. Affected: yes. Observed: 1 variant allele.
Comment: NTF4: BS2

Reproductive Health Research and Development, BGI Genomics
Classification: Uncertain significance for Glaucoma 1, open angle, O. Last evaluated: 2020-01-06. Review status: no assertion criteria provided. Collection method: curation. Allele origin: germline. Not counted in ClinVar's aggregate classification.
Comment: NM_006179.4:c.616C>T in NTF4 gene has an allele frequency of 0.012 in European (Finnish) subpopulation in the gnomAD database. Expression of recombinant NT-4 carrying the R206W mutation was demonstrated to lead to decreased activation of TrkB (PMID19765683). However, a higher frequency of this variant in controls than cases was observed (PMID: 20215012). Pathogenic computational verdict because pathogenic predictions from DANN, EIGEN, FATHMM-MKL, MutationTaster and REVELTaken together, we interprete this variant as variant of uncertain significance (VUS). ACMG/AMP criteria applied: BS1, PP3, PS3.

OMIM
Classification: Pathogenic for GLAUCOMA 1, OPEN ANGLE, O. Last evaluated: 2010-03-12. Review status: flagged submission. Collection method: literature only. Allele origin: germline. Not counted in ClinVar's aggregate classification.
ClinVar note: Notes: Flagging candidate with reason of insufficient supporting evidence. This gene has been disputed by a ClinGen Expert Panel.
ClinVar note: Reason: Other

Literature cited by the submitters: PubMed 19765683 (cited by OMIM); PubMed 20215012 (cited by OMIM).

NM_006179.5(NTF4):c.616C>T (p.Arg206Trp)

Gene: NTF4 (neurotrophin 4; minus strand). Cytogenetic location: 19q13.33.
Variant type: single nucleotide variant.
Coding change: c.616C>T on transcript NM_006179.5 (MANE Select); coding-DNA position 616, C replaced by T.
Protein change: p.Arg206Trp; replaces arginine 206 with tryptophan.
Molecular consequence: missense variant.
Genome position (GRCh38, 1-based): chr19:49,061,382, G>A on the plus strand (C>T on the coding strand, the complement: NTF4 is on the minus strand). VCF-style: chr19-49061382-G-A. GRCh37 (hg19) VCF-style: chr19-49564639-G-A.
Other names: c.616C>T, p.Arg206Trp (NM_001395489.1); short protein forms R206W.
Identifiers: ClinVar variation 14018 (VCV000014018.13), dbSNP rs121918427, ClinGen allele CA123707.